The following is an entry in ClinVar:

NM_005219.5(DIAPH1):c.2718G>A (p.Met906Ile)

Gene: DIAPH1 (diaphanous related formin 1; minus strand). Cytogenetic location: 5q31.3.
Variant type: single nucleotide variant.
Coding change: c.2718G>A on transcript NM_005219.5 (MANE Select); coding-DNA position 2718, G replaced by A.
Protein change: p.Met906Ile; replaces methionine 906 with isoleucine.
Molecular consequence: missense variant.
Genome position (GRCh38, 1-based): chr5:141,529,232, C>T on the plus strand (G>A on the coding strand, the complement: DIAPH1 is on the minus strand). VCF-style: chr5-141529232-C-T. GRCh37 (hg19) VCF-style: chr5-140908799-C-T.
Other names: c.2691G>A, p.Met897Ile (NM_001079812.3); c.2718G>A, p.Met906Ile (NM_001314007.2); short protein forms M897I, M906I.
Identifiers: ClinVar variation 4785701 (VCV004785701.1).

ClinVar aggregate classification (germline): Uncertain significance (1 of 4 stars; one submission).

Conditions:
Progressive microcephaly-seizures-cortical blindness-developmental delay syndrome. Also called: Seizures, cortical blindness, and microcephaly syndrome. Identifiers: Orphanet 477814, MedGen C5567650, MONDO:0014714, OMIM 616632.
Autosomal dominant nonsyndromic hearing loss 1. Also called: DEAFNESS, AUTOSOMAL DOMINANT 1, WITH OR WITHOUT THROMBOCYTOPENIA; KONIGSMARK SYNDROME. Identifiers: Orphanet 90635, MedGen C1852282, MONDO:0007424, OMIM 124900.

Submission:

Labcorp Genetics (formerly Invitae), Labcorp
Classification: Uncertain significance for Progressive microcephaly-seizures-cortical blindness-developmental delay syndrome; Autosomal dominant nonsyndromic hearing loss 1. Last evaluated: 2025-07-27. Review status: criteria provided, single submitter. Criteria: Invitae Variant Classification Sherloc (09022015). Collection method: clinical testing. Allele origin: germline.
Comment: This sequence change replaces methionine, which is neutral and non-polar, with isoleucine, which is neutral and non-polar, at codon 906 of the DIAPH1 protein (p.Met906Ile). This variant is not present in population databases (gnomAD no frequency). This variant has not been reported in the literature in individuals affected with DIAPH1-related conditions. An algorithm developed to predict the effect of missense changes on protein structure and function (PolyPhen-2) suggests that this variant is likely to be tolerated. In summary, the available evidence is currently insufficient to determine the role of this variant in disease. Therefore, it has been classified as a Variant of Uncertain Significance.